The following is an entry in ClinVar:

ClinVar aggregate classification (germline): Uncertain significance (1 of 4 stars; one submission).

Submission:

Labcorp Genetics (formerly Invitae), Labcorp
Classification: Uncertain significance. Last evaluated: 2022-07-28. Review status: criteria provided, single submitter. Criteria: Invitae Variant Classification Sherloc (09022015). Collection method: clinical testing. Allele origin: germline.
Comment: This sequence change replaces leucine, which is neutral and non-polar, with phenylalanine, which is neutral and non-polar, at codon 12 of the COL9A2 protein (p.Leu12Phe). Information on the frequency of this variant in the gnomAD database is not available, as this variant may be reported differently in the database. This variant has not been reported in the literature in individuals affected with COL9A2-related conditions. Experimental studies and prediction algorithms are not available or were not evaluated, and the functional significance of this variant is currently unknown. In summary, the available evidence is currently insufficient to determine the role of this variant in disease. Therefore, it has been classified as a Variant of Uncertain Significance.

NM_001852.4(COL9A2):c.33_34delinsTT (p.Leu12Phe)

Gene: COL9A2 (collagen type IX alpha 2 chain; minus strand). Cytogenetic location: 1p34.2.
Variant type: Indel.
Coding change: c.33_34delinsTT on transcript NM_001852.4 (MANE Select); coding-DNA positions 33 to 34, CC replaced by TT.
Protein change: p.Leu12Phe; replaces leucine 12 with phenylalanine.
Molecular consequence: missense variant.
Genome position (GRCh38, 1-based): chr1:40,317,164-40,317,165, GG replaced by AA on the plus strand (CC replaced by TT on the coding strand, the reverse complement: COL9A2 is on the minus strand). VCF-style: chr1-40317164-GG-AA. GRCh37 (hg19) VCF-style: chr1-40782836-GG-AA.
Other names: short protein forms L12F.
Identifiers: ClinVar variation 2115720 (VCV002115720.4), dbSNP rs2522586865, ClinGen allele CA2580062763.